The following is an entry in ClinVar:

NM_001330078.2(NRXN1):c.772+1133T>C

Gene: NRXN1 (neurexin 1; minus strand). Cytogenetic location: 2p16.3.
Variant type: single nucleotide variant.
Coding change: c.772+1133T>C on transcript NM_001330078.2 (MANE Select); 1133 bases into the intron after coding-DNA position 772, T replaced by C.
Molecular consequence: intron variant. On other transcripts: splice donor variant (1).
Genome position (GRCh38, 1-based): chr2:51,026,369, A>G on the plus strand (T>C on the coding strand, the complement: NRXN1 is on the minus strand). VCF-style: chr2-51026369-A-G. GRCh37 (hg19) VCF-style: chr2-51253507-A-G.
Other names: c.772+1133T>C (NM_001330090.2, NM_001330081.2, NM_001330089.2 and 14 more transcripts); c.871+2T>C (NM_001135659.3).
Identifiers: ClinVar variation 569367 (VCV000569367.9), dbSNP rs1476850082, ClinGen allele CA346822972.

ClinVar aggregate classification (germline): Conflicting classifications of pathogenicity. Review status: criteria provided, conflicting classifications (1 of 4 stars). 3 submissions from 3 submitters: Likely pathogenic (2); Uncertain significance (1). Last evaluated 2025-09-19.

Conditions:
Pitt-Hopkins-like syndrome 2 (PTHSL2). Identifiers: Orphanet 221150, Orphanet 600663, MedGen C3280479, MONDO:0013690, OMIM 614325.

Allele frequency attached by ClinVar (database versions not stated): gnomAD exomes below 0.00001; gnomAD 0.00001; TOPMed 0.00001.
gnomAD v4.1: 2 of 1,573,606 alleles (0.00013%); highest among the groups gnomAD compares: Non-Finnish European, 0.00017%; no homozygotes.

Submissions (3):

First Genomix Gene Laboratory, Genetic Diagnostics Department
Classification: Likely pathogenic for Pitt-Hopkins-like syndrome 2. Last evaluated: 2025-09-19. Review status: criteria provided, single submitter. Criteria: ACMG Guidelines, 2015. Collection method: clinical testing. Allele origin: germline. Inheritance: Autosomal recessive inheritance. Affected: no. Observed: 1 variant allele.

GeneDx
Classification: Uncertain significance. Last evaluated: 2023-01-07. Review status: criteria provided, single submitter. Criteria: GeneDx Variant Classification Process June 2021. Collection method: clinical testing. Allele origin: germline. Affected: yes.
Comment: Not observed at significant frequency in large population cohorts (gnomAD); In silico analysis supports that this variant does not alter splicing; Has not been previously published as pathogenic or benign to our knowledge

Labcorp Genetics (formerly Invitae), Labcorp
Classification: Likely pathogenic for Pitt-Hopkins-like syndrome 2. Last evaluated: 2018-04-18. Review status: criteria provided, single submitter. Criteria: Invitae Variant Classification Sherloc (09022015). Collection method: clinical testing. Allele origin: germline.
Comment: This variant is not present in population databases (ExAC no frequency). This sequence change affects a donor splice site in intron 3 of the NRXN1 gene. It is expected to disrupt RNA splicing and likely results in an absent or disrupted protein product. This variant has not been reported in the literature in individuals with NRXN1-related disease. Donor and acceptor splice site variants typically lead to a loss of protein function (PMID: 16199547), and loss-of-function variants in NRXN1 are known to be pathogenic (PMID: 19896112, 21964664, 25149956). In summary, the currently available evidence indicates that the variant is pathogenic, but additional data are needed to prove that conclusively. Therefore, this variant has been classified as Likely Pathogenic.

Literature cited by the submitters: PubMed 16199547 (cited by Labcorp Genetics (formerly Invitae), Labcorp); PubMed 19896112 (cited by Labcorp Genetics (formerly Invitae), Labcorp); PubMed 21964664 (cited by Labcorp Genetics (formerly Invitae), Labcorp); PubMed 25149956 (cited by Labcorp Genetics (formerly Invitae), Labcorp).